The following is an entry in ClinVar:

NM_004260.4(RECQL4):c.2521G>C (p.Ala841Pro)

Gene: RECQL4 (RecQ like helicase 4; minus strand). Cytogenetic location: 8q24.3.
Variant type: single nucleotide variant.
Coding change: c.2521G>C on transcript NM_004260.4 (MANE Select); coding-DNA position 2521, G replaced by C.
Protein change: p.Ala841Pro; replaces alanine 841 with proline.
Molecular consequence: missense variant. On other transcripts: non-coding transcript variant (3).
Genome position (GRCh38, 1-based): chr8:144,513,081, C>G on the plus strand (G>C on the coding strand, the complement: RECQL4 is on the minus strand). VCF-style: chr8-144513081-C-G. GRCh37 (hg19) VCF-style: chr8-145738464-C-G.
Other names: c.1450G>C, p.Ala484Pro (NM_001413028.1, NM_001413034.1, NM_001413035.1 and 5 more transcripts); c.2170G>C, p.Ala724Pro (NM_001413029.1); c.1384G>C, p.Ala462Pro (NM_001413030.1, NM_001413032.1, NM_001413041.1 and 1 more transcripts); c.1252G>C, p.Ala418Pro (NM_001413031.1, NM_001413038.1); c.2389G>C, p.Ala797Pro (NM_001413033.1); c.1420G>C, p.Ala474Pro (NM_001413042.1); c.1054G>C, p.Ala352Pro (NM_001413043.1); c.2521G>C, p.Ala841Pro (NM_001413036.1, NM_001413019.1); and 6 more; short protein forms A352P, A418P, A474P, A724P, A743P, A809P, A462P, A841P.
Identifiers: ClinVar variation 2714445 (VCV002714445.3), dbSNP rs1827559355, ClinGen allele CA372677202.
Genomic context (GRCh38, chr8:144,513,081, plus strand): 5'-GCGGCCTGGTGCAGGTGCAGGTGCAGGCTGGGAACACGCGCTGTACCAGCCTCTTCACAG[C>G]CAGGAAGTCCGTGCTGTCGGCGTGCACATGTCTGCGCAGCTCTCGCAGGTCTTCGCCCTG-3'
Protein context (NP_004251.4, residues 831-851): HVHADSTDFL[Ala841Pro]VKRLVQRVFP

ClinVar aggregate classification (germline): Uncertain significance (1 of 4 stars; one submission).

Conditions:
Baller-Gerold syndrome (BGS). Also called: CRANIOSYNOSTOSIS WITH RADIAL DEFECTS. Identifiers: Orphanet 1225, MedGen C0265308, MONDO:0009039, OMIM 218600.

Allele frequency attached by ClinVar (database versions not stated): TOPMed below 0.00001.
gnomAD v4.1: 1 of 1,576,630 alleles (0.000063%); highest among the groups gnomAD compares: Non-Finnish European, 0.000086%; no homozygotes.

Submission:

Labcorp Genetics (formerly Invitae), Labcorp
Classification: Uncertain significance for Baller-Gerold syndrome. Last evaluated: 2024-03-06. Review status: criteria provided, single submitter. Criteria: Invitae Variant Classification Sherloc (09022015). Collection method: clinical testing. Allele origin: germline.
Comment: This sequence change replaces alanine, which is neutral and non-polar, with proline, which is neutral and non-polar, at codon 841 of the RECQL4 protein (p.Ala841Pro). This variant is not present in population databases (gnomAD no frequency). This variant has not been reported in the literature in individuals affected with RECQL4-related conditions. Advanced modeling of protein sequence and biophysical properties (such as structural, functional, and spatial information, amino acid conservation, physicochemical variation, residue mobility, and thermodynamic stability) performed at Invitae indicates that this missense variant is not expected to disrupt RECQL4 protein function with a negative predictive value of 80%. In summary, the available evidence is currently insufficient to determine the role of this variant in disease. Therefore, it has been classified as a Variant of Uncertain Significance.